The following is an entry in ClinVar:

ClinVar aggregate classification (germline): Pathogenic/Likely pathogenic. Review status: criteria provided, multiple submitters, no conflicts (2 of 4 stars). 6 submissions from 6 submitters: Pathogenic (3); Likely pathogenic (1). 2 of the submissions do not count toward it. Last evaluated 2024-10-16.

Conditions:
Blepharophimosis-impaired intellectual development syndrome. Identifiers: Orphanet 637013, MedGen C5443984, MONDO:0859139, OMIM 619293.
Nicolaides-Baraitser syndrome (NCBRS). Also called: SMARCA2-Related Nicolaides-Baraitser Syndrome; Intellectual disability-sparse hair-brachydactyly syndrome. Identifiers: Orphanet 3051, MedGen C1303073, MONDO:0011053, OMIM 601358.
Inborn genetic diseases. Identifiers: MedGen C0950123, MeSH D030342.
Intellectual disability. Also called: Intellectual functioning disability; intellectual disabilities; Intellectual developmental disorder. Identifiers: MedGen C3714756, MeSH D008607, MONDO:0001071, HP:0001249.

Submissions (6):

Ambry Genetics
Classification: Pathogenic for Inborn genetic diseases. Last evaluated: 2024-10-16. Review status: criteria provided, single submitter. Criteria: Ambry Variant Classification Scheme 2023. Collection method: clinical testing. Allele origin: germline.
Comment: The c.1574G>A (p.R525H) alteration is located in exon 9 (coding exon 8) of the SMARCA2 gene. This alteration results from a G to A substitution at nucleotide position 1574, causing the arginine (R) at amino acid position 525 to be replaced by a histidine (H). This variant was not reported in population-based cohorts in the Genome Aggregation Database (gnomAD). This alteration was reported as a de novo occurrence in two individuals with global developmental delay, speech delay, characteristic dysmorphic features, dental abnormalities, sparse hair, and finger abnormalities (DECIPHER). Another alteration at the same codon, c.1573C>T (p.R525C), has been detected in individuals with clinical features consistent with SMARCA2-related neurodevelopmental disorder (Cappuccio, 2020; DECIPHER). This amino acid position is highly conserved in available vertebrate species. This alteration is predicted to be deleterious by in silico analysis. Based on the available evidence, this alteration is classified as pathogenic.

GeneDx
Classification: Pathogenic. Last evaluated: 2022-05-20. Review status: criteria provided, single submitter. Criteria: GeneDx Variant Classification Process June 2021. Collection method: clinical testing. Allele origin: germline. Affected: yes.
Comment: Not observed at significant frequency in large population cohorts (gnomAD); In silico analysis supports that this missense variant has a deleterious effect on protein structure/function; This variant is associated with the following publications: (PMID: 28628100, 28191890, 25533962, 32694869, 28135719)

3billion
Classification: Pathogenic for Blepharophimosis-impaired intellectual development syndrome. Last evaluated: 2022-03-22. Review status: criteria provided, single submitter. Criteria: ACMG Guidelines, 2015. Collection method: clinical testing. Allele origin: germline. Affected: yes. Observed: 1 heterozygote.
Comment: Same or different nucleotide change resulting in same amino acid change has been previously reported as pathogenic/likely pathogenic with strong evidence (ClinVar ID: VCV000829814, PMID:28628100). The variant has been previously reported as de novo in a similarly affected individual (PMID: 25533962). A different missense change at the same codon has been reported as pathogenic/likely pathogenic with strong evidence (ClinVar ID: VCV000829811, PMID:28628100). The variant is located in a mutational hot spot and/or well-established functional domain in which established pathogenic variants have been reported. In silico tool predictions suggest damaging effect of the variant on gene or gene product (REVEL: 0.752>=0.6). A missense variant is a common mechanism . It is not observed in the gnomAD v2.1.1 dataset. TTherefore, this variant is classified as pathogenic according to the recommendation of ACMG/AMP guideline.

Diagnostic Laboratory, Strasbourg University Hospital
Classification: Likely pathogenic for Intellectual disability. Last evaluated: 2020-09-10. Review status: criteria provided, single submitter. Criteria: ACMG Guidelines, 2015. Collection method: clinical testing. Allele origin: de novo. Affected: yes. Observed: 1 heterozygote.

OMIM
Classification: Pathogenic for BLEPHAROPHIMOSIS-IMPAIRED INTELLECTUAL DEVELOPMENT SYNDROME. Last evaluated: 2021-04-30. Review status: no assertion criteria provided. Collection method: literature only. Allele origin: germline. Not counted in ClinVar's aggregate classification.

Fondazione Telethon, Telethon Institute of Genetics and Medicine
Classification: Likely pathogenic for Intellectual disability. Review status: no assertion criteria provided. Collection method: clinical testing. Allele origin: de novo. Inheritance: Autosomal dominant inheritance. Affected: yes. Not counted in ClinVar's aggregate classification.

Literature cited by the submitters: PubMed 32694869 (cited by Ambry Genetics and OMIM); PubMed 25533962 (cited by 3billion); PubMed 28628100 (cited by 3billion).

NM_003070.5(SMARCA2):c.1574G>A (p.Arg525His)

Gene: SMARCA2 (SWI/SNF related BAF chromatin remodeling complex subunit ATPase 2; plus strand). Cytogenetic location: 9p24.3.
Variant type: single nucleotide variant.
Coding change: c.1574G>A on transcript NM_003070.5 (MANE Select); coding-DNA position 1574, G replaced by A.
Protein change: p.Arg525His; replaces arginine 525 with histidine.
Molecular consequence: missense variant.
Genome position (GRCh38, 1-based): chr9:2,060,868, G>A. VCF-style: chr9-2060868-G-A. GRCh37 (hg19) VCF-style: chr9-2060868-G-A.
Other names: c.1574G>A (NM_003070.3); c.1574G>A, p.Arg525His (NM_001289396.2, NM_001289397.2, NM_139045.4); short protein forms R525H.
Identifiers: ClinVar variation 829814 (VCV000829814.8), dbSNP rs1586660381, ClinGen allele CA372782492.